The following is an entry in ClinVar:

ClinVar aggregate classification (germline): Likely benign (0 of 4 stars; one submission).

Conditions:
GNAI1-related disorder.

Allele frequency attached by ClinVar (database versions not stated): TOPMed 0.00002.
gnomAD v4.1: 10 of 1,541,952 alleles (0.00065%); highest among the groups gnomAD compares: Admixed American, 0.0041%; no homozygotes.

Submission:

PreventionGenetics, part of Exact Sciences
Classification: Likely benign for GNAI1-related condition. Last evaluated: 2019-02-28. Review status: no assertion criteria provided. Collection method: clinical testing. Allele origin: germline.
Comment: This variant is classified as likely benign based on ACMG/AMP sequence variant interpretation guidelines (Richards et al. 2015 PMID: 25741868, with internal and published modifications).

NM_002069.6(GNAI1):c.876A>G (p.Gly292=)

Gene: GNAI1 (G protein subunit alpha i1; plus strand). Cytogenetic location: 7q21.11.
Variant type: single nucleotide variant.
Coding change: c.876A>G on transcript NM_002069.6 (MANE Select); coding-DNA position 876, A replaced by G.
Protein change: p.Gly292=; no amino-acid change (glycine 292 retained).
Molecular consequence: synonymous variant.
Genome position (GRCh38, 1-based): chr7:80,217,304, A>G. VCF-style: chr7-80217304-A-G. GRCh37 (hg19) VCF-style: chr7-79846620-A-G.
Other names: c.720A>G, p.Gly240= (NM_001256414.2).
Identifiers: ClinVar variation 3040352 (VCV003040352.2), dbSNP rs752711696, ClinGen allele CA4314645.